The following is an entry in ClinVar:

ClinVar aggregate classification (germline): Uncertain significance (1 of 4 stars; one submission).

Conditions:
Adenylosuccinate lyase deficiency (ADSLD). Also called: ADSL DEFICIENCY. Identifiers: Orphanet 46, MedGen C0268126, MONDO:0007068, OMIM 103050.

Submission:

Labcorp Genetics (formerly Invitae), Labcorp
Classification: Uncertain significance for Adenylosuccinate lyase deficiency. Last evaluated: 2022-05-03. Review status: criteria provided, single submitter. Criteria: Invitae Variant Classification Sherloc (09022015). Collection method: clinical testing. Allele origin: germline.
Comment: In summary, the available evidence is currently insufficient to determine the role of this variant in disease. Therefore, it has been classified as a Variant of Uncertain Significance. Experimental studies and prediction algorithms are not available or were not evaluated, and the functional significance of this variant is currently unknown. This variant has not been reported in the literature in individuals affected with ADSL-related conditions. This variant is not present in population databases (gnomAD no frequency). This variant occurs in a non-coding region of the ADSL gene. It does not change the encoded amino acid sequence of the ADSL protein.

NC_000022.11:g.40345606G>A

Gene: ADSL (adenylosuccinate lyase; plus strand). Cytogenetic location: 22q13.1.
Variant type: single nucleotide variant.
Genome position: GRCh38 VCF-style: chr22-40345606-G-A. GRCh37 (hg19) VCF-style: chr22-40741610-G-A.
Identifiers: ClinVar variation 2133121 (VCV002133121.5), dbSNP rs2518073983, ClinGen allele CA2580099796.